The following is an entry in ClinVar:

ClinVar aggregate classification (germline): Uncertain significance. Review status: criteria provided, multiple submitters, no conflicts (2 of 4 stars). 5 submissions from 5 submitters: Uncertain significance (5). Last evaluated 2025-11-18.

Conditions:
Cardiomyopathy, dilated, 2E. Identifiers: MedGen C5561970, MONDO:0030366, OMIM 619492.
Hypertrophic cardiomyopathy 17. Identifiers: MedGen C3151264, MONDO:0013474, OMIM 613873.
JPH2-related disorder. Also called: JPH2-related condition.
Hypertrophic cardiomyopathy. Also called: HYPERTROPHIC MYOCARDIOPATHY. Identifiers: Orphanet 217569, MedGen C0007194, MeSH D002312, MONDO:0005045, HP:0001639.
Cardiovascular phenotype. Identifiers: MedGen CN230736.

Allele frequency attached by ClinVar (database versions not stated): gnomAD exomes below 0.00001 and 0.00002; ExAC 0.00002; TOPMed 0.00002; gnomAD 0.00003.
gnomAD v4.1: 7 of 1,602,952 alleles (0.00044%); highest among the groups gnomAD compares: African/African-American, 0.0053%; no homozygotes.

Submissions (5):

PreventionGenetics, part of Exact Sciences
Classification: Uncertain significance for JPH2-related condition. Last evaluated: 2025-11-18. Review status: criteria provided, single submitter. Criteria: ACMG Guidelines, 2015. Collection method: clinical testing. Allele origin: germline.
Comment: The JPH2 c.1858G>A variant is predicted to result in the amino acid substitution p.Ala620Thr. To our knowledge, this variant has not been reported in the literature. This variant is reported in 0.013% of alleles in individuals of African descent in gnomAD. At this time, the clinical significance of this variant is uncertain due to the absence of conclusive functional and genetic evidence.

Labcorp Genetics (formerly Invitae), Labcorp
Classification: Uncertain significance for Hypertrophic cardiomyopathy. Last evaluated: 2024-11-06. Review status: criteria provided, single submitter. Criteria: Invitae Variant Classification Sherloc (09022015). Collection method: clinical testing. Allele origin: germline.
Comment: This sequence change replaces alanine, which is neutral and non-polar, with threonine, which is neutral and polar, at codon 620 of the JPH2 protein (p.Ala620Thr). This variant is present in population databases (rs769284597, gnomAD 0.009%). This variant has not been reported in the literature in individuals affected with JPH2-related conditions. ClinVar contains an entry for this variant (Variation ID: 1441475). An algorithm developed to predict the effect of missense changes on protein structure and function (PolyPhen-2) suggests that this variant is likely to be tolerated. In summary, the available evidence is currently insufficient to determine the role of this variant in disease. Therefore, it has been classified as a Variant of Uncertain Significance.

GeneDx
Classification: Uncertain significance. Last evaluated: 2024-09-25. Review status: criteria provided, single submitter. Criteria: GeneDx Variant Classification Process June 2021. Collection method: clinical testing. Allele origin: germline. Affected: yes.
Comment: Not observed at significant frequency in large population cohorts (gnomAD); In silico analysis indicates that this missense variant does not alter protein structure/function; Has not been previously published as pathogenic or benign to our knowledge

Ambry Genetics
Classification: Uncertain significance for Cardiovascular phenotype. Last evaluated: 2023-08-29. Review status: criteria provided, single submitter. Criteria: Ambry Variant Classification Scheme 2023. Collection method: clinical testing. Allele origin: germline.
Comment: The p.A620T variant (also known as c.1858G>A), located in coding exon 4 of the JPH2 gene, results from a G to A substitution at nucleotide position 1858. The alanine at codon 620 is replaced by threonine, an amino acid with similar properties. This amino acid position is not well conserved in available vertebrate species. In addition, this alteration is predicted to be tolerated by in silico analysis. Since supporting evidence is limited at this time, the clinical significance of this alteration remains unclear.

Fulgent Genetics
Classification: Uncertain significance for Hypertrophic cardiomyopathy 17; Cardiomyopathy, dilated, 2E. Last evaluated: 2021-07-26. Review status: criteria provided, single submitter. Criteria: ACMG Guidelines, 2015. Collection method: clinical testing. Allele origin: unknown.

NM_020433.5(JPH2):c.1858G>A (p.Ala620Thr)

Gene: JPH2 (junctophilin 2; minus strand). Cytogenetic location: 20q13.12.
Variant type: single nucleotide variant.
Coding change: c.1858G>A on transcript NM_020433.5 (MANE Select); coding-DNA position 1858, G replaced by A.
Protein change: p.Ala620Thr; replaces alanine 620 with threonine.
Molecular consequence: missense variant.
Genome position (GRCh38, 1-based): chr20:44,115,817, C>T on the plus strand (G>A on the coding strand, the complement: JPH2 is on the minus strand). VCF-style: chr20-44115817-C-T. GRCh37 (hg19) VCF-style: chr20-42744457-C-T.
Other names: short protein forms A620T.
Identifiers: ClinVar variation 1441475 (VCV001441475.15), dbSNP rs769284597, ClinGen allele CA9868581.
Genomic context (GRCh38, chr20:44,115,817, plus strand): 5'-TCTTGCGGGCCTTGGCCCTGGGCTCGGCTTTGGGGATGATGGGCTTGGGCTCCAGCTTGG[C>T]GGGGGTCTCGCGTGCAGGCTCGGGGCCTCGGAGCGTGGGGGCCTGCAGCGGGGCGGTGGC-3'
Protein context (NP_065166.2, residues 610-630): RGPEPARETP[Ala620Thr]KLEPKPIIPK